The following is an entry in ClinVar:

NM_152414.5(BHLHE22):c.221_260del (p.Gly74fs)

Genes: BHLHE22 (basic helix-loop-helix family member e22; plus strand), BHLHE22-AS1 (BHLHE22 antisense RNA 1; minus strand). Cytogenetic location: 8q12.3.
Variant type: Deletion.
Coding change: c.221_260del on transcript NM_152414.5 (MANE Select); coding-DNA positions 221 to 260, 40 bases deleted.
Protein change: p.Gly74fs; shifts the reading frame from glycine 74.
Molecular consequence: frameshift variant.
Genome position (GRCh38, 1-based): chr8:64,581,011-64,581,050, 40 bases deleted; deleting any 40 consecutive bases within chr8:64,581,006-64,581,050 gives the same sequence; the c. name uses the placement nearest the transcript's 3' end. GRCh37 (hg19): chr8:65,493,568-65,493,607.
Other names: short protein forms G74fs.
Identifiers: ClinVar variation 4819977 (VCV004819977.2).

ClinVar aggregate classification (germline): Pathogenic/Likely pathogenic. Review status: criteria provided, multiple submitters, no conflicts (2 of 4 stars). 2 submissions from 2 submitters: Pathogenic (1); Likely pathogenic (1). Last evaluated 2026-03-30.

Conditions:
BHLHE22-related disorder.

Submissions (2):

Sherr lab, University of California San Francisco
Classification: Likely pathogenic for BHLHE22-related disorder. Last evaluated: 2026-03-30. Review status: criteria provided, single submitter. Criteria: Le et al. (medRxiv. 2024). Collection method: clinical testing. Allele origin: biparental. Inheritance: Autosomal recessive inheritance. Affected: yes. Observed: 9 variant alleles, 9 homozygotes. Clinical features observed: Corpus callosum, agenesis of (HP:0001274), Spasticity (HP:0001257), Severe global developmental delay (HP:0011344).
Comment: The c.221_260del variant has been identified in the homozygous state in seven affected individuals from six unrelated families. The recurrence of this variant across multiple unrelated families and its segregation with disease in a recessive pattern support its pathogenicity. This variant is extremely rare in large population databases in the heterozygous state, and absent in the homozygous state.

Institute of Human Genetics, Cologne University
Classification: Pathogenic. Last evaluated: 2026-02-19. Review status: criteria provided, single submitter. Criteria: ACMG Guidelines, 2015. Collection method: clinical testing. Allele origin: biparental. Affected: yes. Observed: 2 homozygotes. Clinical features observed: Microcephaly (HP:0000252), Spastic quadriplegic cerebral palsy (HP:0002510), Severe global developmental delay (HP:0011344), Atrophy/Degeneration affecting the central nervous system (HP:0007367).
Comment: In the preprint (PMID: 39502664), 7 of the 11 reported patients likewise carry the variant identified in our patients in the homozygous state, in most cases including detection of the deletion in the heterozygous state in the healthy parents and, where applicable, also in unaffected siblings. The described clinical manifestations are consistent with the phenotype observed in our patients. In addition, 6 patients with de novo missense variants have now been described, who on average exhibit a somewhat milder disease severity compared with the biallelic patients.

Literature cited by the submitters: PubMed 39502664 (cited by Institute of Human Genetics, Cologne University).